The following is an entry in ClinVar:

ClinVar aggregate classification (germline): Pathogenic. Review status: criteria provided, multiple submitters, no conflicts (2 of 4 stars). 14 submissions from 14 submitters: Pathogenic (13). 1 of the submissions does not count toward it. Last evaluated 2026-08-06.

Conditions:
LIG4-related disorder. Also called: LIG4-related condition; LIG4-related disorders. Identifiers: MedGen CN239380.
Inborn genetic diseases. Identifiers: MedGen C0950123, MeSH D030342.
DNA ligase IV deficiency. Identifiers: Orphanet 99812, MedGen C1847827, MONDO:0011686, OMIM 606593.
Multiple myeloma (MM). Also called: Plasma cell myeloma; Multiple myeloma, somatic. Identifiers: Orphanet 29073, Orphanet 85443, MedGen C0026764, MeSH D009101, MONDO:0009693, OMIM 254500, HP:0006775.

Submissions (14):

OLLIN Analises Genomicas, OLLIN
Classification: Pathogenic. Last evaluated: 2026-08-06. Review status: criteria provided, single submitter. Criteria: ACMG Guidelines 2015 PMID 25741868. Collection method: clinical testing. Allele origin: germline.
Comment: This frameshift variant, located in exon 3 (of 3), has been reported in ClinVar (accession VCV000418659.31), in gnomAD with an allele frequency of 0.00508%, and in the scientific literature, in compound heterozygosity, in individuals with LIG4 related disorders (PMID: 24027040, 35592332, 37004747, 27855655, 31604460, 30719430, 26608917). This variant causes a frameshift and introduces a premature stop codon, which is predicted to result in either a truncated protein or degradation of the mRNA via nonsense-mediated decay (NMD). According to the currently available evidence, this variant has been classified as pathogenic (PVS1_S, PS4, PM2_P, PM3_VS).

Labcorp Genetics (formerly Invitae), Labcorp
Classification: Pathogenic for DNA ligase IV deficiency. Last evaluated: 2026-01-28. Review status: criteria provided, single submitter. Criteria: Invitae Variant Classification Sherloc (09022015). Collection method: clinical testing. Allele origin: germline.
Comment: This sequence change creates a premature translational stop signal (p.Lys635Argfs*10) in the LIG4 gene. While this is not anticipated to result in nonsense mediated decay, it is expected to disrupt the last 277 amino acid(s) of the LIG4 protein. This variant is present in population databases (rs375554612, gnomAD 0.09%). This premature translational stop signal has been observed in individual(s) with LIG4 deficiency and bone marrow failure (PMID: 24027040, 28866308, 29146883). In at least one individual the data is consistent with being in trans (on the opposite chromosome) from a pathogenic variant. ClinVar contains an entry for this variant (Variation ID: 418659). Algorithms developed to predict the effect of sequence changes on RNA splicing suggest that this variant may create or strengthen a splice site. This variant disrupts a region of the LIG4 protein in which other variant(s) (p.Arg814*) have been determined to be pathogenic (PMID: 11779494, 16088910, 25239263, 27063650, 27612988). This suggests that this is a clinically significant region of the protein, and that variants that disrupt it are likely to be disease-causing. For these reasons, this variant has been classified as Pathogenic.

Dasa
Classification: Pathogenic. Last evaluated: 2026-01-05. Review status: criteria provided, single submitter. Criteria: DASA Assertion Criteria. Collection method: clinical testing. Allele origin: germline.
Comment: NM_206937.2(LIG4):c.1904del (p.Lys635Argfs*10) is a frameshift variant in LIG4 predicted to alter the reading frame and introduce a premature termination codon and is predicted to result in an absent or altered protein product. Loss of function is an established disease mechanism for LIG4-associated disorders. This variant has been recurrently observed in individuals with LIG4-related disorders (PMID: 27063650; PMID: 24027040). Functional evidence supports an impact on the gene or gene product (PMID: 27063650; PMID: 24027040). Published studies describe this variant in association with related phenotype (PMID: 27063650; PMID: 24027040; PMID: 28866308). Also, this variant is rare in population databases. Based on the currently available evidence, this variant is classified as pathogenic.

GeneDx
Classification: Pathogenic. Last evaluated: 2025-10-22. Review status: criteria provided, single submitter. Criteria: GeneDx Variant Classification Process June 2021. Collection method: clinical testing. Allele origin: germline. Affected: yes.
Comment: Frameshift variant predicted to result in abnormal protein length as the last 277 amino acid(s) are replaced with 9 different amino acid(s), and other similar variants have been reported in HGMD; This variant is associated with the following publications: (PMID: 24123394, 31589614, 24027040, 29146883, 35592332, 35503492, 27612988, 24892279, 11779494, 28866308)

CeGaT Center for Human Genetics Tuebingen
Classification: Pathogenic. Last evaluated: 2025-03-01. Review status: criteria provided, single submitter. Criteria: CeGaT Center For Human Genetics Tuebingen Variant Classification Criteria Version 2. Collection method: clinical testing. Allele origin: germline. Affected: yes. Observed: 1 variant allele.
Comment: LIG4: PM3:Strong, PVS1:Strong, PM2

Blueprint Genetics
Classification: Pathogenic for LIG4-related disorders. Last evaluated: 2024-06-05. Review status: criteria provided, single submitter. Criteria: ACMG Guidelines, 2015. Collection method: clinical testing. Allele origin: germline. Affected: yes. Observed: 5 variant alleles.

Fulgent Genetics
Classification: Pathogenic for Multiple myeloma; DNA ligase IV deficiency. Last evaluated: 2024-03-25. Review status: criteria provided, single submitter. Criteria: ACMG Guidelines, 2015. Collection method: clinical testing. Allele origin: germline.

Greenwood Genetic Center Diagnostic Laboratories, Greenwood Genetic Center
Classification: Pathogenic for DNA ligase IV deficiency. Last evaluated: 2023-12-20. Review status: criteria provided, single submitter. Criteria: ACMG Guidelines, 2015. Collection method: clinical testing. Allele origin: germline. Affected: yes.
Comment: PVS1_Moderate, PS3_Moderate, PM1, PM3_Strong

Women's Health and Genetics/Laboratory Corporation of America, LabCorp
Classification: Pathogenic for DNA ligase IV deficiency. Last evaluated: 2023-01-19. Review status: criteria provided, single submitter. Criteria: LabCorp Variant Classification Summary - May 2015. Collection method: clinical testing. Allele origin: germline.
Comment: Variant summary: LIG4 c.1904delA (p.Lys635ArgfsX10) results in a premature termination codon, predicted to cause a truncation of the encoded protein or absence of the protein due to nonsense mediated decay, which are commonly known mechanisms for disease. Truncations downstream of this position have been associated with LIG4 syndrome in HGMD. The variant allele was found at a frequency of 6e-05 in 251356 control chromosomes. c.1904delA has been reported in the literature in individuals affected with LIG4 Syndrome and deficiency (Brunet_2017, IJspeert_2013, Castro_2022) as well as Microcephalic Primordial Dwarfism (Murry_ 2014) and Bone Marrow Failure (Bluteau_2018), both of which can be presentations of LIG4 deficiency. These data indicate that the variant is likely to be associated with disease. To our knowledge, no experimental evidence demonstrating an impact on protein function has been reported. Four clinical diagnostic laboratories have submitted clinical-significance assessments for this variant to ClinVar after 2014 without evidence for independent evaluation. All laboratories classified the variant as pathogenic. Based on the evidence outlined above, the variant was classified as pathogenic.

Mayo Clinic Laboratories, Mayo Clinic
Classification: Pathogenic. Last evaluated: 2022-05-19. Review status: criteria provided, single submitter. Criteria: ACMG Guidelines, 2015. Collection method: clinical testing. Allele origin: germline. Observed: 1 variant allele.
Comment: PP4, PM1, PM2_supporting, PM3, PVS1_strong

Ambry Genetics
Classification: Pathogenic for Inborn genetic diseases. Last evaluated: 2021-08-31. Review status: criteria provided, single submitter. Criteria: Ambry Variant Classification Scheme 2023. Collection method: clinical testing. Allele origin: germline.
Comment: The c.1904delA (p.K635Rfs*10) alteration, located in exon 2 (coding exon 1) of the LIG4 gene, consists of a deletion of one nucleotide at position 1904, causing a translational frameshift with a predicted alternate stop codon after 10 amino acids. Frameshifts are typically deleterious in nature; however, because LIG4 is a single-exon gene, this alteration is not expected to trigger nonsense-mediated mRNA decay and a(n) altered/truncated protein could still be expressed (Maquat, 2004). This alteration impacts a significant portion of the protein and the impacted region is critical for protein function (Ambry internal data). Based on data from gnomAD, this allele has an overall frequency of 0.01% (23/282740) total alleles studied. The highest observed frequency was 0.08% (21/24954) of African alleles. This mutation has been reported in conjunction with a second LIG4 alteration in several individuals with LIG4 syndrome (IJspeert, 2013; Brunet, 2017; Bluteau, 2018). In addition, a downstream truncation alteration, p.R814* c.2440C>T, has been described in individuals with LIG4 syndrome (O'Driscoll, 2001; Ben-Omran, 2005; Walne, 2016). Based on the available evidence, this alteration is classified as pathogenic.

Eurofins Ntd Llc (ga)
Classification: Pathogenic. Last evaluated: 2018-03-05. Review status: criteria provided, single submitter. Criteria: EGL ClinVar v180209 classification definitions. Collection method: clinical testing. Allele origin: germline. Observed: 1 variant allele, 1 heterozygote.

Center for Pediatric Genomic Medicine, Children's Mercy Hospital and Clinics
Classification: Pathogenic. Last evaluated: 2017-06-19. Review status: criteria provided, single submitter. Criteria: ACMG Guidelines, 2015. Collection method: clinical testing. Allele origin: germline.

PreventionGenetics, part of Exact Sciences
Classification: Pathogenic for LIG4-related condition. Last evaluated: 2023-12-11. Review status: no assertion criteria provided. Collection method: clinical testing. Allele origin: germline. Not counted in ClinVar's aggregate classification.
Comment: The LIG4 c.1904delA variant is predicted to result in a frameshift and premature protein termination (p.Lys635Argfs*10). This variant was reported together with second LIG4 loss-of-function variant in several individuals with LIG4 deficiency (Ijspeert et al. 2013. PubMed ID: 24027040; Brunet et al. 2017. PubMed ID: 28866308; TableS8 and 14; Bluteau et al. 2017. PubMed ID: 29146883). This variant is reported in 0.084% of alleles in individuals of African descent in gnomAD. Frameshift variants in LIG4 are expected to be pathogenic. This variant is interpreted as pathogenic.

Literature cited by the submitters: PubMed 24027040 (cited by 6 submitters); PubMed 35592332 (cited by OLLIN Analises Genomicas, OLLIN and Women's Health and Genetics/Laboratory Corporation of America, LabCorp); PubMed 37004747 (cited by OLLIN Analises Genomicas, OLLIN); PubMed 27855655 (cited by OLLIN Analises Genomicas, OLLIN); PubMed 31604460 (cited by OLLIN Analises Genomicas, OLLIN); PubMed 30719430 (cited by OLLIN Analises Genomicas, OLLIN); PubMed 26608917 (cited by OLLIN Analises Genomicas, OLLIN); PubMed 28866308 (cited by 5 submitters); PubMed 29146883 (cited by 4 submitters); PubMed 11779494 (cited by Labcorp Genetics (formerly Invitae), Labcorp and Ambry Genetics); PubMed 16088910 (cited by Labcorp Genetics (formerly Invitae), Labcorp and Ambry Genetics); PubMed 25239263 (cited by Labcorp Genetics (formerly Invitae), Labcorp); PubMed 27063650 (cited by Labcorp Genetics (formerly Invitae), Labcorp and Dasa); PubMed 27612988 (cited by Labcorp Genetics (formerly Invitae), Labcorp and Ambry Genetics); PubMed 31589614 (cited by Women's Health and Genetics/Laboratory Corporation of America, LabCorp and Mayo Clinic Laboratories, Mayo Clinic); PubMed 24123394 (cited by Women's Health and Genetics/Laboratory Corporation of America, LabCorp); PubMed 2523926 (cited by Ambry Genetics).

NM_206937.2(LIG4):c.1904del (p.Lys635fs)

Gene: LIG4 (DNA ligase 4; minus strand). Cytogenetic location: 13q33.3.
Variant type: Deletion.
Coding change: c.1904del on transcript NM_206937.2 (MANE Select); coding-DNA position 1904, one base deleted (A; older notation c.1904delA).
Protein change: p.Lys635fs; shifts the reading frame from lysine 635.
Molecular consequence: frameshift variant.
Genome position (GRCh38, 1-based): chr13:108,209,365, T deleted on the plus strand (A on the coding strand, the reverse complement: LIG4 is on the minus strand); the first of 2 consecutive T bases (chr13:108,209,365-108,209,366); deleting either gives the same sequence. VCF-style (leftmost placement, unchanged base first): chr13-108209364-CT-C. GRCh37 (hg19) VCF-style: chr13-108861712-CT-C.
Other names: p.Lys635Argfs*10; c.1904del, p.Lys635fs (NM_001098268.2, NM_001352598.2, NM_001352599.2 and 6 more transcripts); c.1703del, p.Lys568fs (NM_001330595.2); c.1904delA (NM_002312.3); c.1940del, p.Lys647fs (NM_001352604.2); short protein forms K568fs, K635fs, K647fs.
Identifiers: ClinVar variation 418659 (VCV000418659.35), dbSNP rs375554612, ClinGen allele CA7043591.